The following is an entry in ClinVar:

NM_002241.5(KCNJ10):c.596G>C (p.Arg199Pro)

Gene: KCNJ10 (potassium inwardly rectifying channel subfamily J member 10; minus strand). Cytogenetic location: 1q23.2.
Variant type: single nucleotide variant.
Coding change: c.596G>C on transcript NM_002241.5 (MANE Select); coding-DNA position 596, G replaced by C.
Protein change: p.Arg199Pro; replaces arginine 199 with proline.
Molecular consequence: missense variant.
Genome position (GRCh38, 1-based): chr1:160,041,937, C>G on the plus strand (G>C on the coding strand, the complement: KCNJ10 is on the minus strand). VCF-style: chr1-160041937-C-G. GRCh37 (hg19) VCF-style: chr1-160011727-C-G.
Other names: short protein forms R199P.
Identifiers: ClinVar variation 3368002 (VCV003368002.1).
Genomic context (GRCh38, chr1:160,041,937, plus strand): 5'-TGAAGCAGTTTTCCTGTCACCTGGCAGCCAATGAGGAGGCTTTTGCGCATATTGGCAACT[C>G]GGATCATGAGGCAGGGCTTGCCATTGTGGGAGGCCACAACTGCATGCTGGCTGAAACGAA-3'
Protein context (NP_002232.2, residues 189-209): SHNGKPCLMI[Arg199Pro]VANMRKSLLI

ClinVar aggregate classification (germline): Uncertain significance (1 of 4 stars; one submission).

gnomAD v4.1: 1 of 1,612,684 alleles (0.000062%); highest among the groups gnomAD compares: Non-Finnish European, 0.000085%; no homozygotes.

Submission:

GeneDx
Classification: Uncertain significance. Last evaluated: 2024-01-18. Review status: criteria provided, single submitter. Criteria: GeneDx Variant Classification Process June 2021. Collection method: clinical testing. Allele origin: germline. Affected: yes.
Comment: Not observed at significant frequency in large population cohorts (gnomAD); In silico analysis supports that this missense variant has a deleterious effect on protein structure/function; Has not been previously published as pathogenic or benign to our knowledge